The following is an entry in ClinVar:

NM_014714.4(IFT140):c.492-14G>A

Genes: IFT140 (intraflagellar transport 140; minus strand), LOC105371046 (uncharacterized LOC105371046; plus strand). Cytogenetic location: 16p13.3.
Variant type: single nucleotide variant.
Coding change: c.492-14G>A on transcript NM_014714.4 (MANE Select); 14 bases into the intron before coding-DNA position 492, G replaced by A.
Molecular consequence: intron variant.
Genome position (GRCh38, 1-based): chr16:1,592,332, C>T on the plus strand (G>A on the coding strand, the complement: IFT140 is on the minus strand). VCF-style: chr16-1592332-C-T. GRCh37 (hg19) VCF-style: chr16-1642333-C-T.
Identifiers: ClinVar variation 318211 (VCV000318211.17), dbSNP rs75359189, ClinGen allele CA7814668.
Genomic context (GRCh38, chr16:1,592,332, plus strand): 5'-CTTTCTCATCACCGCTCACAGCTGCCTTTGCCAACTGAACCAGGTCCCTGAAAGCAAACA[C>T]GACACGAAGCAAGATTCTTCTGCCACTCCTACAGCACCTCAGGGCTGGGGCCCCTCCTGG-3'

ClinVar aggregate classification (germline): Benign. Review status: criteria provided, multiple submitters, no conflicts (2 of 4 stars). 4 submissions from 4 submitters: Benign (4). Last evaluated 2026-02-02.

Conditions:
Saldino-Mainzer syndrome (SRTD9). Also called: Renal dysplasia, retinal pigmentary dystrophy, cerebellar ataxia and skeletal dysplasia; SHORT-RIB THORACIC DYSPLASIA 9 WITHOUT POLYDACTYLY; CONORENAL SYNDROME; short-rib thoracic dysplasia 9 with or without polydactyly. Identifiers: Orphanet 140969, MedGen C1849437, MONDO:0009964, OMIM 266920.

Allele frequency attached by ClinVar (database versions not stated): gnomAD exomes 0.00614; ExAC 0.00713; gnomAD 0.02244 and 0.02409; ESP Exome Variant Server 0.02554; TOPMed 0.02581; 1000 Genomes Project 0.02756; 1000 Genomes Project 30x 0.02983.
gnomAD v4.1: 7,028 of 1,614,046 alleles (0.44%); highest among the groups gnomAD compares: African/African-American, 7.8%; 269 homozygotes.

Submissions (4):

Labcorp Genetics (formerly Invitae), Labcorp
Classification: Benign for Saldino-Mainzer syndrome. Last evaluated: 2026-02-02. Review status: criteria provided, single submitter. Criteria: Invitae Variant Classification Sherloc (09022015). Collection method: clinical testing. Allele origin: germline.

GeneDx
Classification: Benign. Last evaluated: 2021-05-12. Review status: criteria provided, single submitter. Criteria: GeneDx Variant Classification Process June 2021. Collection method: clinical testing. Allele origin: germline. Affected: yes.

Illumina Laboratory Services, Illumina
Classification: Benign for Saldino-Mainzer syndrome. Last evaluated: 2018-01-13. Review status: criteria provided, single submitter. Criteria: ICSL Variant Classification Criteria 13 December 2019. Collection method: clinical testing. Allele origin: germline.
Comment: This variant was observed in the ICSL laboratory as part of a predisposition screen in an ostensibly healthy population. It had not been previously curated by ICSL or reported in the Human Gene Mutation Database (HGMD: prior to June 1st, 2018), and was therefore a candidate for classification through an automated scoring system. Utilizing variant allele frequency, disease prevalence and penetrance estimates, and inheritance mode, an automated score was calculated to assess if this variant is too frequent to cause the disease. Based on the score and internal cut-off values, a variant classified as benign is not then subjected to further curation. The score for this variant resulted in a classification of benign for this disease.

Breakthrough Genomics
Classification: Benign. Review status: criteria provided, single submitter. Criteria: ACMG Guidelines, 2015. Collection method: not provided. Allele origin: germline. Inheritance: Autosomal recessive inheritance. Affected: yes.